The following is an entry in ClinVar:

ClinVar aggregate classification (germline): Uncertain significance (1 of 4 stars; one submission).

Conditions:
Muscular dystrophy-dystroglycanopathy type B6 (MDDGB6). Also called: MUSCULAR DYSTROPHY, CONGENITAL, LARGE-RELATED; MUSCULAR DYSTROPHY, CONGENITAL, TYPE 1D; MUSCULAR DYSTROPHY-DYSTROGLYCANOPATHY (CONGENITAL WITH IMPAIRED INTELLECTUAL DEVELOPMENT), TYPE B, 6. Identifiers: MedGen C1837229, MONDO:0012138, OMIM 608840.

Allele frequency attached by ClinVar (database versions not stated): TOPMed 0.00004.
gnomAD v4.1: 1 of 1,614,036 alleles (0.000062%); no homozygotes.

Submission:

Labcorp Genetics (formerly Invitae), Labcorp
Classification: Uncertain significance for Muscular dystrophy-dystroglycanopathy type B6. Last evaluated: 2024-01-15. Review status: criteria provided, single submitter. Criteria: Invitae Variant Classification Sherloc (09022015). Collection method: clinical testing. Allele origin: germline.
Comment: This sequence change falls in intron 10 of the LARGE1 gene. It does not directly change the encoded amino acid sequence of the LARGE1 protein. It affects a nucleotide within the consensus splice site. This variant is not present in population databases (gnomAD no frequency). This variant has not been reported in the literature in individuals affected with LARGE1-related conditions. ClinVar contains an entry for this variant (Variation ID: 1983647). Variants that disrupt the consensus splice site are a relatively common cause of aberrant splicing (PMID: 17576681, 9536098). Algorithms developed to predict the effect of sequence changes on RNA splicing suggest that this variant is not likely to affect RNA splicing. In summary, the available evidence is currently insufficient to determine the role of this variant in disease. Therefore, it has been classified as a Variant of Uncertain Significance.

Literature cited by the submitters: PubMed 17576681; PubMed 9536098.

NM_133642.5(LARGE1):c.1131+4G>A

Gene: LARGE1 (LARGE xylosyl- and glucuronyltransferase 1; minus strand). Cytogenetic location: 22q12.3.
Variant type: single nucleotide variant.
Coding change: c.1131+4G>A on transcript NM_133642.5 (MANE Select); 4 bases into the intron after coding-DNA position 1131, G replaced by A.
Molecular consequence: intron variant.
Genome position (GRCh38, 1-based): chr22:33,381,915, C>T on the plus strand (G>A on the coding strand, the complement: LARGE1 is on the minus strand). VCF-style: chr22-33381915-C-T. GRCh37 (hg19) VCF-style: chr22-33777901-C-T.
Other names: c.1131+4G>A (NM_001362953.2, NM_001362949.2, NM_001378627.1 and 7 more transcripts); c.528+4G>A (NM_001378631.1, NM_001378630.1).
Identifiers: ClinVar variation 1983647 (VCV001983647.2), dbSNP rs2065171743, ClinGen allele CA2402394451.